The following is an entry in ClinVar:

NM_000089.4(COL1A2):c.1727A>T (p.His576Leu)

Gene: COL1A2 (collagen type I alpha 2 chain; plus strand). Cytogenetic location: 7q21.3.
Variant type: single nucleotide variant.
Coding change: c.1727A>T on transcript NM_000089.4 (MANE Select); coding-DNA position 1727, A replaced by T.
Protein change: p.His576Leu; replaces histidine 576 with leucine.
Molecular consequence: missense variant.
Genome position (GRCh38, 1-based): chr7:94,415,233, A>T. VCF-style: chr7-94415233-A-T. GRCh37 (hg19) VCF-style: chr7-94044545-A-T.
Other names: short protein forms H576L.
Identifiers: ClinVar variation 2663151 (VCV002663151.1), dbSNP rs368676099, ClinGen allele CA368222474.

ClinVar aggregate classification (germline): Uncertain significance (1 of 4 stars; one submission).

Submission:

GeneDx
Classification: Uncertain significance. Last evaluated: 2023-04-06. Review status: criteria provided, single submitter. Criteria: GeneDx Variant Classification Process June 2021. Collection method: clinical testing. Allele origin: germline. Affected: yes.
Comment: Has not been previously published as pathogenic or benign to our knowledge; Not observed at significant frequency in large population cohorts (gnomAD); Occurs in the triple helical domain at the Y position in the canonical Gly-X-Y repeat; although this variant may have an effect on normal protein folding and function, missense substitution at the Y position is not a common mechanism of disease (HGMD); In silico analysis supports that this missense variant does not alter protein structure/function